The following is an entry in ClinVar:

NC_000007.13:g.(?_50571671)_(50571777_?)del

Gene: DDC (dopa decarboxylase; minus strand). Cytogenetic location: 7p12.1.
Variant type: Deletion.
Identifiers: ClinVar variation 2423396 (VCV002423396.5).

ClinVar aggregate classification (germline): Pathogenic (1 of 4 stars; one submission).

Conditions:
Deficiency of aromatic-L-amino-acid decarboxylase. Also called: Aromatic L-Amino Acid Decarboxylase Deficiency; AADC DEFICIENCY; DDC DEFICIENCY; DOPA DECARBOXYLASE DEFICIENCY; Aromatic amino acid decarboxylase deficiency. Identifiers: Orphanet 35708, MedGen C1291564, MONDO:0012084, OMIM 608643.

Submission:

Labcorp Genetics (formerly Invitae), Labcorp
Classification: Pathogenic for Deficiency of aromatic-L-amino-acid decarboxylase. Last evaluated: 2022-11-14. Review status: criteria provided, single submitter. Criteria: Invitae Variant Classification Sherloc (09022015). Collection method: clinical testing. Allele origin: germline.
Comment: For these reasons, this variant has been classified as Pathogenic. This variant has not been reported in the literature in individuals affected with DDC-related conditions. This variant is a gross deletion of the genomic region encompassing exon(s) 7 of the DDC gene. This deletion is out-of-frame, and is expected to create a premature termination codon and result in an absent or disrupted protein product. Loss-of-function variants in DDC are known to be pathogenic (PMID: 15079002, 24788355).

Literature cited by the submitters: PubMed 15079002; PubMed 24788355.